The following is an entry in ClinVar:

ClinVar aggregate classification (germline): Uncertain significance. Review status: criteria provided, multiple submitters, no conflicts (2 of 4 stars). 2 submissions from 2 submitters: Uncertain significance (2). Last evaluated 2025-09-22.

Conditions:
Inborn genetic diseases. Identifiers: MedGen C0950123, MeSH D030342.

Allele frequency attached by ClinVar (database versions not stated): gnomAD exomes below 0.00001.
gnomAD v4.1: 3 of 1,613,962 alleles (0.00019%); highest among the groups gnomAD compares: Non-Finnish European, 0.00025%; no homozygotes.

Submissions (2):

Ambry Genetics
Classification: Uncertain significance for Inborn genetic diseases. Last evaluated: 2025-09-22. Review status: criteria provided, single submitter. Criteria: Ambry Variant Classification Scheme 2023. Collection method: clinical testing. Allele origin: germline.

Labcorp Genetics (formerly Invitae), Labcorp
Classification: Uncertain significance. Last evaluated: 2022-08-09. Review status: criteria provided, single submitter. Criteria: Invitae Variant Classification Sherloc (09022015). Collection method: clinical testing. Allele origin: germline.
Comment: This sequence change replaces methionine, which is neutral and non-polar, with valine, which is neutral and non-polar, at codon 576 of the PLK4 protein (p.Met576Val). This variant is not present in population databases (gnomAD no frequency). This variant has not been reported in the literature in individuals affected with PLK4-related conditions. Algorithms developed to predict the effect of missense changes on protein structure and function output the following: SIFT: "Tolerated"; PolyPhen-2: "Benign"; Align-GVGD: "Class C0". The valine amino acid residue is found in multiple mammalian species, which suggests that this missense change does not adversely affect protein function. Algorithms developed to predict the effect of sequence changes on RNA splicing suggest that this variant may disrupt the consensus splice site. In summary, the available evidence is currently insufficient to determine the role of this variant in disease. Therefore, it has been classified as a Variant of Uncertain Significance.

NM_014264.5(PLK4):c.1726A>G (p.Met576Val)

Gene: PLK4 (polo like kinase 4; plus strand). Cytogenetic location: 4q28.1.
Variant type: single nucleotide variant.
Coding change: c.1726A>G on transcript NM_014264.5 (MANE Select); coding-DNA position 1726, A replaced by G.
Protein change: p.Met576Val; replaces methionine 576 with valine.
Molecular consequence: missense variant.
Genome position (GRCh38, 1-based): chr4:127,890,132, A>G. VCF-style: chr4-127890132-A-G. GRCh37 (hg19) VCF-style: chr4-128811287-A-G.
Other names: c.1726A>G (NM_014264.4); c.1630A>G, p.Met544Val (NM_001190799.2); c.1603A>G, p.Met535Val (NM_001190801.2); short protein forms M535V, M544V, M576V.
Identifiers: ClinVar variation 1715995 (VCV001715995.4), dbSNP rs2546018603, ClinGen allele CA358157131.